The following is an entry in ClinVar:

NM_198578.4(LRRK2):c.5894G>A (p.Ser1965Asn)

Gene: LRRK2 (leucine rich repeat kinase 2; plus strand). Cytogenetic location: 12q12.
Variant type: single nucleotide variant.
Coding change: c.5894G>A on transcript NM_198578.4 (MANE Select); coding-DNA position 5894, G replaced by A.
Protein change: p.Ser1965Asn; replaces serine 1965 with asparagine.
Molecular consequence: missense variant.
Genome position (GRCh38, 1-based): chr12:40,335,103, G>A. VCF-style: chr12-40335103-G-A. GRCh37 (hg19) VCF-style: chr12-40728905-G-A.
Other names: short protein forms S1965N.
Identifiers: ClinVar variation 3229715 (VCV003229715.1), dbSNP rs2499930750, ClinGen allele CA384402314.

ClinVar aggregate classification (germline): Uncertain significance (1 of 4 stars; one submission).

Conditions:
Inborn genetic diseases. Identifiers: MedGen C0950123, MeSH D030342.

Submission:

Ambry Genetics
Classification: Uncertain significance for Inborn genetic diseases. Last evaluated: 2023-12-14. Review status: criteria provided, single submitter. Criteria: Ambry Variant Classification Scheme 2023. Collection method: clinical testing. Allele origin: germline.
Comment: The p.S1965N variant (also known as c.5894G>A), located in coding exon 40 of the LRRK2 gene, results from a G to A substitution at nucleotide position 5894. The serine at codon 1965 is replaced by asparagine, an amino acid with highly similar properties. This amino acid position is conserved. In addition, this alteration is predicted to be tolerated by in silico analysis. Since supporting evidence is limited at this time, the clinical significance of this alteration remains unclear.